The following is an entry in ClinVar:

NM_032237.5(POMK):c.663C>A (p.Phe221Leu)

Gene: POMK (protein O-mannose kinase; plus strand). Cytogenetic location: 8p11.21.
Variant type: single nucleotide variant.
Coding change: c.663C>A on transcript NM_032237.5 (MANE Select); coding-DNA position 663, C replaced by A.
Protein change: p.Phe221Leu; replaces phenylalanine 221 with leucine.
Molecular consequence: missense variant.
Genome position (GRCh38, 1-based): chr8:43,122,487, C>A. VCF-style: chr8-43122487-C-A. GRCh37 (hg19) VCF-style: chr8-42977630-C-A.
Other names: c.663C>A, p.Phe221Leu (NM_001277971.2); short protein forms F221L.
Identifiers: ClinVar variation 1023219 (VCV001023219.5), dbSNP rs145931566, ClinGen allele CA4736334.
Genomic context (GRCh38, chr8:43,122,487, plus strand): 5'-CATGTGCGACTCCAACGACCTGCCGAAGACACTGTCCCAGTATCTGCTAACAAGCAACTT[C>A]AGCATTTTGGCAAATGACTTGGACGCCTTACCCCTGGTGAACCACAGCTCCGGGATGCTG-3'
Protein context (NP_115613.1, residues 211-231): TLSQYLLTSN[Phe221Leu]SILANDLDAL

ClinVar aggregate classification (germline): Uncertain significance (1 of 4 stars; one submission).

Conditions:
Muscular dystrophy-dystroglycanopathy (congenital with brain and eye anomalies), type a, 12 (MDDGA12). Also called: WALKER-WARBURG SYNDROME OR MUSCLE-EYE-BRAIN DISEASE, POMK-RELATED. Identifiers: Orphanet 899, MedGen C3808964, MONDO:0014101, OMIM 615249.
Limb-girdle muscular dystrophy due to POMK deficiency. Also called: Muscular dystrophy-dystroglycanopathy (limb-girdle), type c, 12; MUSCULAR DYSTROPHY-DYSTROGLYCANOPATHY, LIMB-GIRDLE, POMK-RELATED. Identifiers: Orphanet 445110, MedGen C4015184, MONDO:0014489, OMIM 616094.

Allele frequency attached by ClinVar (database versions not stated): ExAC 0.00001; gnomAD exomes 0.00001; TOPMed 0.00001; ESP Exome Variant Server 0.00008.
gnomAD v4.1: 3 of 1,614,168 alleles (0.00019%); highest among the groups gnomAD compares: Non-Finnish European, 0.00025%; no homozygotes.

Submission:

Labcorp Genetics (formerly Invitae), Labcorp
Classification: Uncertain significance for Muscular dystrophy-dystroglycanopathy (congenital with brain and eye anomalies), type a, 12; Limb-girdle muscular dystrophy due to POMK deficiency. Last evaluated: 2020-09-17. Review status: criteria provided, single submitter. Criteria: Invitae Variant Classification Sherloc (09022015). Collection method: clinical testing. Allele origin: germline.
Comment: This variant has not been reported in the literature in individuals with POMK-related conditions. This variant is present in population databases (rs145931566, ExAC 0.002%). This sequence change replaces phenylalanine with leucine at codon 221 of the POMK protein (p.Phe221Leu). The phenylalanine residue is highly conserved and there is a small physicochemical difference between phenylalanine and leucine. In summary, the available evidence is currently insufficient to determine the role of this variant in disease. Therefore, it has been classified as a Variant of Uncertain Significance. Algorithms developed to predict the effect of missense changes on protein structure and function output the following: SIFT: "Tolerated"; PolyPhen-2: "Benign"; Align-GVGD: "Class C0". The leucine amino acid residue is found in multiple mammalian species, suggesting that this missense change does not adversely affect protein function. These predictions have not been confirmed by published functional studies and their clinical significance is uncertain.